The following is an entry in ClinVar:

NM_018116.4(MSTO1):c.772A>G (p.Ile258Val)

Gene: MSTO1 (misato mitochondrial distribution and morphology regulator 1; plus strand). Cytogenetic location: 1q22.
Variant type: single nucleotide variant.
Coding change: c.772A>G on transcript NM_018116.4 (MANE Select); coding-DNA position 772, A replaced by G.
Protein change: p.Ile258Val; replaces isoleucine 258 with valine.
Molecular consequence: missense variant. On other transcripts: non-coding transcript variant (6).
Genome position (GRCh38, 1-based): chr1:155,612,275, A>G. VCF-style: chr1-155612275-A-G. GRCh37 (hg19) VCF-style: chr1-155582066-A-G.
Other names: c.772A>G, p.Ile258Val (NM_001256532.1, NM_001256533.1, NM_001350772.1 and 3 more transcripts); c.607A>G, p.Ile203Val (NM_001350776.1); c.241A>G, p.Ile81Val (NM_001350777.1, NM_001350778.1, NM_001350779.1); c.238A>G, p.Ile80Val (NM_001350780.1, NM_001350781.1, NM_001350782.1 and 3 more transcripts); c.229A>G, p.Ile77Val (NM_001350784.1, NM_001350785.1, NM_001350787.1 and 1 more transcripts); short protein forms I203V, I258V, I77V, I80V, I81V.
Identifiers: ClinVar variation 2632372 (VCV002632372.1), dbSNP rs1674307094, ClinGen allele CA342758508.

ClinVar aggregate classification (germline): Uncertain significance (1 of 4 stars; one submission).

Conditions:
MSTO1-related disorder. Also called: MSTO1‑Related Disease.

Allele frequency attached by ClinVar (database versions not stated): gnomAD exomes below 0.00001; gnomAD 0.00001.
gnomAD v4.1: 3 of 1,592,288 alleles (0.00019%); highest among the groups gnomAD compares: African/African-American, 0.0013%; no homozygotes.

Submission:

PreventionGenetics, part of Exact Sciences
Classification: Uncertain significance for MSTO1-related condition. Last evaluated: 2023-06-05. Review status: criteria provided, single submitter. Criteria: ACMG Guidelines, 2015. Collection method: clinical testing. Allele origin: germline.
Comment: The MSTO1 c.772A>G variant is predicted to result in the amino acid substitution p.Ile258Val. To our knowledge, this variant has not been reported in the literature or in a large population database, indicating this variant is rare. At this time, the clinical significance of this variant is uncertain due to the absence of conclusive functional and genetic evidence.